The following is an entry in ClinVar:

NM_015040.4(PIKFYVE):c.3096CTC[1] (p.Ser1034del)

Gene: PIKFYVE (phosphoinositide kinase, FYVE-type zinc finger containing; plus strand). Cytogenetic location: 2q34.
Variant type: Microsatellite.
Coding change: c.3096CTC[1] on transcript NM_015040.4 (MANE Select); one copy of the 3-base unit CTC starting at c.3096; the reference has two copies in a row; one copy, 3 bases deleted.
Protein change: p.Ser1034del; deletes serine 1034.
Molecular consequence: inframe deletion.
Genome position (GRCh38, 1-based): chr2:208,325,910-208,325,912, CTC deleted; deleting any 3 consecutive bases within chr2:208,325,906-208,325,912 gives the same sequence; the position shown is the placement nearest the transcript's 3' end. VCF-style (leftmost placement, unchanged base first): chr2-208325905-ACCT-A. GRCh37 (hg19) VCF-style: chr2-209190629-ACCT-A.
Other names: short protein forms S1034del.
Identifiers: ClinVar variation 2061050 (VCV002061050.4), dbSNP rs766910936, ClinGen allele CA2079985.
Genomic context (GRCh38, chr2:208,325,905, plus strand): 5'-ATAAGAGCCTTTAGAGACCCTCTACAGGATGACACTGGATTATATGTTACTGAGGAAGTC[ACCT>A]CCTCTGAAGATAAACGAAAGACTTATTCTTTGGCCTTTAAGCAGGAATTAAAAGATGTGA-3'

ClinVar aggregate classification (germline): Uncertain significance (1 of 4 stars; one submission).

Submission:

Labcorp Genetics (formerly Invitae), Labcorp
Classification: Uncertain significance. Last evaluated: 2022-03-04. Review status: criteria provided, single submitter. Criteria: Invitae Variant Classification Sherloc (09022015). Collection method: clinical testing. Allele origin: germline.
Comment: This variant, c.3099_3101del, results in the deletion of 1 amino acid(s) of the PIKFYVE protein (p.Ser1034del), but otherwise preserves the integrity of the reading frame. This variant is present in population databases (rs766910936, gnomAD 0.003%). This variant has not been reported in the literature in individuals affected with PIKFYVE-related conditions. Experimental studies and prediction algorithms are not available or were not evaluated, and the functional significance of this variant is currently unknown. In summary, the available evidence is currently insufficient to determine the role of this variant in disease. Therefore, it has been classified as a Variant of Uncertain Significance.